The following is an entry in ClinVar:

NM_001128425.2(MUTYH):c.158-2A>G

Gene: MUTYH (mutY DNA glycosylase; minus strand). Cytogenetic location: 1p34.1.
Variant type: single nucleotide variant.
Coding change: c.158-2A>G on transcript NM_001128425.2 (MANE Plus Clinical); the canonical splice acceptor site of the intron before coding-DNA position 158, A replaced by G.
Molecular consequence: splice acceptor variant. On other transcripts: 5 prime UTR variant (1), intron variant (28).
Genome position (GRCh38, 1-based): chr1:45,333,605, T>C on the plus strand (A>G on the coding strand, the complement: MUTYH is on the minus strand). VCF-style: chr1-45333605-T-C. GRCh37 (hg19) VCF-style: chr1-45799277-T-C.
Other names: c.-13A>G (NM_001407075.1); c.116-44A>G (NM_001407072.1, NM_001048171.2, NM_001407070.1 and 7 more transcripts); c.-92-108A>G (NM_001350651.2, NM_001407082.1); c.-97-108A>G (NM_001293192.2, NM_001293196.2, NM_001407091.1); c.-156-44A>G (NM_001350650.2); c.158-44A>G (NM_001407073.1); c.158-41A>G (NM_001293190.2); c.158-11A>G (NM_001407069.1, NM_012222.3); and 4 more.
Identifiers: ClinVar variation 141862 (VCV000141862.14), dbSNP rs587782066, ClinGen allele CA011716.

ClinVar aggregate classification (germline): Conflicting classifications of pathogenicity. Review status: criteria provided, conflicting classifications (1 of 4 stars). 3 submissions from 3 submitters: Likely pathogenic (1); Uncertain significance (2). Last evaluated 2025-05-15.

Conditions:
Hereditary cancer-predisposing syndrome. Also called: Neoplastic Syndromes, Hereditary; Hereditary Cancer Syndrome; Tumor predisposition; Hereditary neoplastic syndrome. Identifiers: Orphanet 140162, MedGen C0027672, MeSH D009386, MONDO:0015356.
Familial adenomatous polyposis 2. Also called: MUTYH-associated polyposis; MUTYH Polyposis; FAP type 2; Adenomas, multiple colorectal; COLORECTAL ADENOMATOUS POLYPOSIS, AUTOSOMAL RECESSIVE; ADENOMAS, MULTIPLE COLORECTAL, AUTOSOMAL RECESSIVE. Identifiers: Orphanet 220460, Orphanet 247798, MedGen C3272841, MONDO:0012041, OMIM 608456.

Allele frequency attached by ClinVar (database versions not stated): gnomAD exomes below 0.00001; TOPMed below 0.00001.
gnomAD v4.1: 1 of 1,604,592 alleles (0.000062%); no homozygotes.

Submissions (3):

Ambry Genetics
Classification: Uncertain significance for Hereditary cancer-predisposing syndrome. Last evaluated: 2025-05-15. Review status: criteria provided, single submitter. Criteria: Ambry Variant Classification Scheme 2023. Collection method: clinical testing. Allele origin: germline.
Comment: The c.158-2A>G intronic variant results from an A to G substitution two nucleotides upstream from coding exon 3 in the MUTYH gene. This nucleotide position is not well conserved in available vertebrate species. In silico splice site analysis predicts that this alteration will not have any significant effect on splicing. RNA studies have demonstrated that this alteration results in an incomplete splice defect involving exons excluded from naturally occurring transcripts; the clinical impact of this abnormal splicing is unknown at this time (Ambry internal data). Based on the available evidence, the clinical significance of this variant remains unclear.

Labcorp Genetics (formerly Invitae), Labcorp
Classification: Likely pathogenic for Familial adenomatous polyposis 2. Last evaluated: 2024-05-21. Review status: criteria provided, single submitter. Criteria: Invitae Variant Classification Sherloc (09022015). Collection method: clinical testing. Allele origin: germline.
Comment: This sequence change affects an acceptor splice site in intron 2 of the MUTYH gene. It is expected to disrupt RNA splicing. Variants that disrupt the donor or acceptor splice site typically lead to a loss of protein function (PMID: 16199547), and loss-of-function variants in MUTYH are known to be pathogenic (PMID: 18534194, 20663686). This variant is not present in population databases (gnomAD no frequency). This variant has not been reported in the literature in individuals affected with MUTYH-related conditions. ClinVar contains an entry for this variant (Variation ID: 141862). In summary, the currently available evidence indicates that the variant is pathogenic, but additional data are needed to prove that conclusively. Therefore, this variant has been classified as Likely Pathogenic.

Color Diagnostics, LLC DBA Color Health
Classification: Uncertain significance for Hereditary cancer-predisposing syndrome. Last evaluated: 2016-06-16. Review status: criteria provided, single submitter. Criteria: ACMG Guidelines, 2015. Collection method: clinical testing. Allele origin: germline.

Literature cited by the submitters: PubMed 16199547 (cited by Labcorp Genetics (formerly Invitae), Labcorp); PubMed 18534194 (cited by Labcorp Genetics (formerly Invitae), Labcorp); PubMed 20663686 (cited by Labcorp Genetics (formerly Invitae), Labcorp).